The following is an entry in ClinVar:

NM_017852.5(NLRP2):c.578T>G (p.Ile193Ser)

Gene: NLRP2 (NLR family pyrin domain containing 2; plus strand). Cytogenetic location: 19q13.42.
Variant type: single nucleotide variant.
Coding change: c.578T>G on transcript NM_017852.5 (MANE Select); coding-DNA position 578, T replaced by G.
Protein change: p.Ile193Ser; replaces isoleucine 193 with serine.
Molecular consequence: missense variant. On other transcripts: non-coding transcript variant (1).
Genome position (GRCh38, 1-based): chr19:54,982,276, T>G. VCF-style: chr19-54982276-T-G. GRCh37 (hg19) VCF-style: chr19-55493644-T-G.
Other names: c.578T>G, p.Ile193Ser (NM_001174081.3); c.512T>G, p.Ile171Ser (NM_001174082.3); c.509T>G, p.Ile170Ser (NM_001174083.2); c.569T>G, p.Ile190Ser (NM_001348003.2); short protein forms I170S, I171S, I190S, I193S.
Identifiers: ClinVar variation 2581904 (VCV002581904.1), dbSNP rs2516592389, ClinGen allele CA407429222.

ClinVar aggregate classification (germline): Uncertain significance (1 of 4 stars; one submission).

Submission:

GeneDx
Classification: Uncertain significance. Last evaluated: 2023-03-26. Review status: criteria provided, single submitter. Criteria: GeneDx Variant Classification Process June 2021. Collection method: clinical testing. Allele origin: germline. Affected: yes.
Comment: Not observed at significant frequency in large population cohorts (gnomAD); In silico analysis supports that this missense variant has a deleterious effect on protein structure/function; Has not been previously published as pathogenic or benign to our knowledge